The following is an entry in ClinVar:

ClinVar aggregate classification (germline): Uncertain significance. Review status: criteria provided, multiple submitters, no conflicts (2 of 4 stars). 2 submissions from 2 submitters: Uncertain significance (2). Last evaluated 2025-03-07.

Conditions:
Hereditary cancer-predisposing syndrome. Also called: Hereditary neoplastic syndrome; Neoplastic Syndromes, Hereditary; Tumor predisposition; Hereditary Cancer Syndrome. Identifiers: Orphanet 140162, MedGen C0027672, MeSH D009386, MONDO:0015356.
Familial cancer of breast. Also called: Hereditary breast cancer; hereditary breast carcinoma; BREAST CANCER, FAMILIAL. Identifiers: Orphanet 227535, MedGen C0346153, MONDO:0016419, OMIM 114480. Disease mechanism: loss of function.

Allele frequency attached by ClinVar (database versions not stated): gnomAD exomes below 0.00001.
gnomAD v4.1: 1 of 1,580,578 alleles (0.000063%); highest among the groups gnomAD compares: South Asian, 0.0012%; no homozygotes.

Submissions (2):

Ambry Genetics
Classification: Uncertain significance for Hereditary cancer-predisposing syndrome. Last evaluated: 2025-03-07. Review status: criteria provided, single submitter. Criteria: Ambry Variant Classification Scheme 2023. Collection method: clinical testing. Allele origin: germline.
Comment: The p.K236E variant (also known as c.706A>G), located in coding exon 4 of the BARD1 gene, results from an A to G substitution at nucleotide position 706. The lysine at codon 236 is replaced by glutamic acid, an amino acid with similar properties. This amino acid position is highly conserved in available vertebrate species. In addition, the in silico prediction for this alteration is inconclusive. Based on the available evidence, the clinical significance of this variant remains unclear.

Labcorp Genetics (formerly Invitae), Labcorp
Classification: Uncertain significance for Familial cancer of breast. Last evaluated: 2024-03-24. Review status: criteria provided, single submitter. Criteria: Invitae Variant Classification Sherloc (09022015). Collection method: clinical testing. Allele origin: germline.
Comment: This sequence change replaces lysine, which is basic and polar, with glutamic acid, which is acidic and polar, at codon 236 of the BARD1 protein (p.Lys236Glu). This variant is not present in population databases (gnomAD no frequency). This variant has not been reported in the literature in individuals affected with BARD1-related conditions. ClinVar contains an entry for this variant (Variation ID: 1005486). An algorithm developed to predict the effect of missense changes on protein structure and function (PolyPhen-2) suggests that this variant is likely to be disruptive. In summary, the available evidence is currently insufficient to determine the role of this variant in disease. Therefore, it has been classified as a Variant of Uncertain Significance.

NM_000465.4(BARD1):c.706A>G (p.Lys236Glu)

Gene: BARD1 (BRCA1 associated RING domain 1; minus strand). Cytogenetic location: 2q35.
Variant type: single nucleotide variant.
Coding change: c.706A>G on transcript NM_000465.4 (MANE Select); coding-DNA position 706, A replaced by G.
Protein change: p.Lys236Glu; replaces lysine 236 with glutamic acid.
Molecular consequence: missense variant. On other transcripts: non-coding transcript variant (2), intron variant (3).
Genome position (GRCh38, 1-based): chr2:214,781,168, T>C on the plus strand (A>G on the coding strand, the complement: BARD1 is on the minus strand). VCF-style: chr2-214781168-T-C. GRCh37 (hg19) VCF-style: chr2-215645892-T-C.
Other names: c.706A>G (NM_000465.2); c.649A>G, p.Lys217Glu (NM_001282543.2); c.158+28244A>G (NM_001282548.2); c.215+15893A>G (NM_001282545.2); c.364+11129A>G (NM_001282549.2); short protein forms K217E, K236E.
Identifiers: ClinVar variation 1005486 (VCV001005486.11), dbSNP rs1695000597, ClinGen allele CA350456323.